The following is an entry in ClinVar:

NM_001211.6(BUB1B):c.368A>G (p.Asn123Ser)

Gene: BUB1B (BUB1 mitotic checkpoint serine/threonine kinase B; plus strand). Cytogenetic location: 15q15.1.
Variant type: single nucleotide variant.
Coding change: c.368A>G on transcript NM_001211.6 (MANE Select); coding-DNA position 368, A replaced by G.
Protein change: p.Asn123Ser; replaces asparagine 123 with serine.
Molecular consequence: missense variant.
Genome position (GRCh38, 1-based): chr15:40,170,665, A>G. VCF-style: chr15-40170665-A-G. GRCh37 (hg19) VCF-style: chr15-40462866-A-G.
Other names: short protein forms N123S.
Identifiers: ClinVar variation 1019541 (VCV001019541.12), dbSNP rs759232092, ClinGen allele CA7475460.

ClinVar aggregate classification (germline): Conflicting classifications of pathogenicity. Review status: criteria provided, conflicting classifications (1 of 4 stars). 2 submissions from 2 submitters: Uncertain significance (1); Likely benign (1). Last evaluated 2025-11-19.

Conditions:
Inborn genetic diseases. Identifiers: MedGen C0950123, MeSH D030342.
Mosaic variegated aneuploidy syndrome 1 (MVA1). Also called: Warburton-Anyane-Yeboa syndrome. Identifiers: Orphanet 1052, MedGen C1850343, MONDO:0009759, OMIM 257300.

Allele frequency attached by ClinVar (database versions not stated): ExAC 0.00001; gnomAD exomes 0.00001; TOPMed 0.00001.
gnomAD v4.1: 23 of 1,613,756 alleles (0.0014%); highest among the groups gnomAD compares: African/African-American, 0.0027%; no homozygotes.

Submissions (2):

Labcorp Genetics (formerly Invitae), Labcorp
Classification: Uncertain significance for Mosaic variegated aneuploidy syndrome 1. Last evaluated: 2025-11-19. Review status: criteria provided, single submitter. Criteria: Invitae Variant Classification Sherloc (09022015). Collection method: clinical testing. Allele origin: germline.
Comment: This sequence change replaces asparagine, which is neutral and polar, with serine, which is neutral and polar, at codon 123 of the BUB1B protein (p.Asn123Ser). This variant is present in population databases (rs759232092, gnomAD 0.004%). This variant has not been reported in the literature in individuals affected with BUB1B-related conditions. ClinVar contains an entry for this variant (Variation ID: 1019541). An algorithm developed to predict the effect of missense changes on protein structure and function outputs the following: PolyPhen-2: "Benign". The serine amino acid residue is found in multiple mammalian species, which suggests that this missense change does not adversely affect protein function. In summary, the available evidence is currently insufficient to determine the role of this variant in disease. Therefore, it has been classified as a Variant of Uncertain Significance.

Ambry Genetics
Classification: Likely benign for Inborn genetic diseases. Last evaluated: 2021-06-13. Review status: criteria provided, single submitter. Criteria: Ambry Variant Classification Scheme 2023. Collection method: clinical testing. Allele origin: germline.